The following is an entry in ClinVar:

NM_005051.3(QARS1):c.143T>C (p.Ile48Thr)

Gene: QARS1 (glutaminyl-tRNA synthetase 1; minus strand). Cytogenetic location: 3p21.31.
Variant type: single nucleotide variant.
Coding change: c.143T>C on transcript NM_005051.3 (MANE Select); coding-DNA position 143, T replaced by C.
Protein change: p.Ile48Thr; replaces isoleucine 48 with threonine.
Molecular consequence: missense variant. On other transcripts: non-coding transcript variant (1).
Genome position (GRCh38, 1-based): chr3:49,104,446, A>G on the plus strand (T>C on the coding strand, the complement: QARS1 is on the minus strand). VCF-style: chr3-49104446-A-G. GRCh37 (hg19) VCF-style: chr3-49141879-A-G.
Other names: c.143T>C (NM_005051.1); c.143T>C, p.Ile48Thr (NM_001272073.2); short protein forms I48T.
Identifiers: ClinVar variation 581949 (VCV000581949.16), dbSNP rs201397059, ClinGen allele CA2392286.

ClinVar aggregate classification (germline): Uncertain significance. Review status: criteria provided, multiple submitters, no conflicts (2 of 4 stars). 5 submissions from 5 submitters: Uncertain significance (5). Last evaluated 2025-09-26.

Conditions:
Diffuse cerebral and cerebellar atrophy - intractable seizures - progressive microcephaly syndrome. Also called: Microcephaly, progressive, with seizures and cerebral and cerebellar atrophy. Identifiers: Orphanet 404437, MedGen C4014239, MONDO:0014335, OMIM 615760.
Inborn genetic diseases. Identifiers: MedGen C0950123, MeSH D030342.

Allele frequency attached by ClinVar (database versions not stated): gnomAD exomes 0.00002 and 0.00006; ExAC 0.00008; ESP Exome Variant Server 0.00015; gnomAD 0.00016 and 0.00017; TOPMed 0.00024; 1000 Genomes Project 30x 0.00047; 1000 Genomes Project 0.00060.
gnomAD v4.1: 73 of 1,614,148 alleles (0.0045%); highest among the groups gnomAD compares: African/African-American, 0.051%; no homozygotes.

Submissions (5):

GeneDx
Classification: Uncertain significance. Last evaluated: 2025-09-26. Review status: criteria provided, single submitter. Criteria: GeneDx Variant Classification Process June 2021. Collection method: clinical testing. Allele origin: germline. Affected: yes.
Comment: In silico analysis supports that this missense variant has a deleterious effect on protein structure/function; Has not been previously published as pathogenic or benign to our knowledge; This variant is associated with the following publications: (PMID: 25471517)

Labcorp Genetics (formerly Invitae), Labcorp
Classification: Uncertain significance for Diffuse cerebral and cerebellar atrophy - intractable seizures - progressive microcephaly syndrome. Last evaluated: 2024-12-16. Review status: criteria provided, single submitter. Criteria: Invitae Variant Classification Sherloc (09022015). Collection method: clinical testing. Allele origin: germline.
Comment: This sequence change replaces isoleucine, which is neutral and non-polar, with threonine, which is neutral and polar, at codon 48 of the QARS protein (p.Ile48Thr). This variant is present in population databases (rs201397059, gnomAD 0.06%). This variant has not been reported in the literature in individuals affected with QARS-related conditions. ClinVar contains an entry for this variant (Variation ID: 581949). Invitae Evidence Modeling of protein sequence and biophysical properties (such as structural, functional, and spatial information, amino acid conservation, physicochemical variation, residue mobility, and thermodynamic stability) has been performed for this missense variant. However, the output from this modeling did not meet the statistical confidence thresholds required to predict the impact of this variant on QARS protein function. In summary, the available evidence is currently insufficient to determine the role of this variant in disease. Therefore, it has been classified as a Variant of Uncertain Significance.

Blueprint Genetics
Classification: Uncertain significance. Last evaluated: 2024-11-08. Review status: criteria provided, single submitter. Criteria: ACMG Guidelines, 2015. Collection method: clinical testing. Allele origin: germline.

Ambry Genetics
Classification: Uncertain significance for Inborn genetic diseases. Last evaluated: 2024-04-08. Review status: criteria provided, single submitter. Criteria: Ambry Variant Classification Scheme 2023. Collection method: clinical testing. Allele origin: germline.

Breakthrough Genomics
Classification: Uncertain significance. Review status: criteria provided, single submitter. Criteria: ACMG Guidelines, 2015. Collection method: not provided. Allele origin: germline. Inheritance: Autosomal recessive inheritance. Affected: yes.